The following is an entry in ClinVar:

NM_000443.4(ABCB4):c.283C>T (p.Pro95Ser)

Gene: ABCB4 (ATP binding cassette subfamily B member 4; minus strand). Cytogenetic location: 7q21.12.
Variant type: single nucleotide variant.
Coding change: c.283C>T on transcript NM_000443.4 (MANE Select); coding-DNA position 283, C replaced by T.
Protein change: p.Pro95Ser; replaces proline 95 with serine.
Molecular consequence: missense variant.
Genome position (GRCh38, 1-based): chr7:87,462,761, G>A on the plus strand (C>T on the coding strand, the complement: ABCB4 is on the minus strand). VCF-style: chr7-87462761-G-A. GRCh37 (hg19) VCF-style: chr7-87092077-G-A.
Other names: c.283C>T, p.Pro95Ser (NM_018849.3, NM_018850.3); short protein forms P95S.
Identifiers: ClinVar variation 4846574 (VCV004846574.1).

ClinVar aggregate classification (germline): Uncertain significance (1 of 4 stars; one submission).

Conditions:
Familial intrahepatic cholestasis. Identifiers: Orphanet 284385, MedGen CN296401, MONDO:0017290.

gnomAD v4.1: 1 of 1,613,772 alleles (0.000062%); no homozygotes.

Submission:

Genomenon, Inc
Classification: Uncertain significance for Familial intrahepatic cholestasis. Last evaluated: 2026-04-14. Review status: criteria provided, single submitter. Criteria: Genomenon Sequence Variant Interpretation Standards - Updated. Collection method: curation. Allele origin: germline. Affected: yes.
Comment: ABCB4 p.Pro95Ser (c.283C>T) is a missense variant that changes the amino acid at residue 95 from Proline to Serine. This variant has been observed in at least one proband with an ABCB4-related disorder (PMID:29761167). The variant was found to segregate with disease in at least one affected family (PMID:29761167). It is absent or not present at a significant frequency in gnomAD. In silico models predict that this variant is not damaging. In conclusion, we classify ABCB4 p.Pro95Ser (c.283C>T) as a variant of uncertain significance.

Literature cited by the submitters: PubMed 29761167.